The following is an entry in ClinVar:

ClinVar aggregate classification (germline): Uncertain significance (1 of 4 stars; one submission).

Conditions:
DLG2-related disorder. Also called: DLG2-related condition.

Submission:

PreventionGenetics, part of Exact Sciences
Classification: Uncertain significance for DLG2-related condition. Last evaluated: 2024-12-26. Review status: criteria provided, single submitter. Criteria: ACMG Guidelines, 2015. Collection method: clinical testing. Allele origin: germline.
Comment: The DLG2 c.755A>T variant is predicted to result in the amino acid substitution p.Asn252Ile. To our knowledge, this variant has not been reported in the literature or in a large population database (gnomAD), indicating this variant is rare. At this time, the clinical significance of this variant is uncertain due to the absence of conclusive functional and genetic evidence.

NM_001142699.3(DLG2):c.755A>T (p.Asn252Ile)

Genes: DLG2 (discs large MAGUK scaffold protein 2; minus strand), LOC126861281 (CDK7 strongly-dependent group 2 enhancer GRCh37_chr11:83769989-83771188; plus strand). Cytogenetic location: 11q14.1.
Variant type: single nucleotide variant.
Coding change: c.755A>T on transcript NM_001142699.3 (MANE Select); coding-DNA position 755, A replaced by T.
Protein change: p.Asn252Ile; replaces asparagine 252 with isoleucine.
Molecular consequence: missense variant. On other transcripts: non-coding transcript variant (1).
Genome position (GRCh38, 1-based): chr11:84,059,479, T>A on the plus strand (A>T on the coding strand, the complement: DLG2 is on the minus strand). VCF-style: chr11-84059479-T-A. GRCh37 (hg19) VCF-style: chr11-83770522-T-A.
Other names: c.287A>T, p.Asn96Ile (NM_001142700.2); c.557A>T, p.Asn186Ile (NM_001206769.2, NM_001377966.1, NM_001377967.1 and 3 more transcripts); c.440A>T, p.Asn147Ile (NM_001300983.1, NM_001364.3, NM_001377968.1); c.791A>T, p.Asn264Ile (NM_001351274.2); c.788A>T, p.Asn263Ile (NM_001351275.2); c.497A>T, p.Asn166Ile (NM_001351276.2); c.341A>T, p.Asn114Ile (NM_001377972.1, NM_001377974.1, NM_001377975.1); c.314A>T, p.Asn105Ile (NM_001377973.1); short protein forms N166I, N264I, N263I, N105I, N114I, N96I, N147I, N186I.
Identifiers: ClinVar variation 4996920 (VCV004996920.1).